The following is an entry in ClinVar:

NM_016247.4(IMPG2):c.2241G>C (p.Met747Ile)

Gene: IMPG2 (interphotoreceptor matrix proteoglycan 2; minus strand). Cytogenetic location: 3q12.3.
Variant type: single nucleotide variant.
Coding change: c.2241G>C on transcript NM_016247.4 (MANE Select); coding-DNA position 2241, G replaced by C.
Protein change: p.Met747Ile; replaces methionine 747 with isoleucine.
Molecular consequence: missense variant.
Genome position (GRCh38, 1-based): chr3:101,244,090, C>G on the plus strand (G>C on the coding strand, the complement: IMPG2 is on the minus strand). VCF-style: chr3-101244090-C-G. GRCh37 (hg19) VCF-style: chr3-100962934-C-G.
Other names: c.2241G>C (NM_016247.3); short protein forms M747I.
Identifiers: ClinVar variation 1412431 (VCV001412431.5), dbSNP rs201394380, ClinGen allele CA2519012.

ClinVar aggregate classification (germline): Uncertain significance. Review status: criteria provided, multiple submitters, no conflicts (2 of 4 stars). 2 submissions from 2 submitters: Uncertain significance (2). Last evaluated 2025-08-03.

Conditions:
Inborn genetic diseases. Identifiers: MedGen C0950123, MeSH D030342.

Allele frequency attached by ClinVar (database versions not stated): gnomAD 0.00001 and 0.00003; 1000 Genomes Project 30x 0.00062; 1000 Genomes Project 0.00080.
gnomAD v4.1: 23 of 1,614,014 alleles (0.0014%); highest among the groups gnomAD compares: African/African-American, 0.028%; no homozygotes.

Submissions (2):

Ambry Genetics
Classification: Uncertain significance for Inborn genetic diseases. Last evaluated: 2025-08-03. Review status: criteria provided, single submitter. Criteria: Ambry Variant Classification Scheme 2023. Collection method: clinical testing. Allele origin: germline.

Labcorp Genetics (formerly Invitae), Labcorp
Classification: Uncertain significance. Last evaluated: 2025-02-03. Review status: criteria provided, single submitter. Criteria: Invitae Variant Classification Sherloc (09022015). Collection method: clinical testing. Allele origin: germline.
Comment: This sequence change replaces methionine, which is neutral and non-polar, with isoleucine, which is neutral and non-polar, at codon 747 of the IMPG2 protein (p.Met747Ile). This variant is present in population databases (rs201394380, gnomAD 0.03%). This variant has not been reported in the literature in individuals affected with IMPG2-related conditions. ClinVar contains an entry for this variant (Variation ID: 1412431). Invitae Evidence Modeling of protein sequence and biophysical properties (such as structural, functional, and spatial information, amino acid conservation, physicochemical variation, residue mobility, and thermodynamic stability) indicates that this missense variant is not expected to disrupt IMPG2 protein function with a negative predictive value of 80%. In summary, the available evidence is currently insufficient to determine the role of this variant in disease. Therefore, it has been classified as a Variant of Uncertain Significance.